The following is an entry in ClinVar:

ClinVar aggregate classification (germline): Uncertain significance (1 of 4 stars; one submission).

Conditions:
Autosomal recessive limb-girdle muscular dystrophy type 2J (LGMDR10). Also called: Limb-girdle muscular dystrophy, type 2J; MUSCULAR DYSTROPHY, LIMB-GIRDLE, AUTOSOMAL RECESSIVE 10. Identifiers: Orphanet 140922, MedGen C1837342, MONDO:0012127, OMIM 608807.
Dilated cardiomyopathy 1G (CMD1G). Identifiers: Orphanet 154, MedGen C1858763, MONDO:0011400, OMIM 604145.

Submission:

Labcorp Genetics (formerly Invitae), Labcorp
Classification: Uncertain significance for Dilated cardiomyopathy 1G; Autosomal recessive limb-girdle muscular dystrophy type 2J. Last evaluated: 2024-03-01. Review status: criteria provided, single submitter. Criteria: Invitae Variant Classification Sherloc (09022015). Collection method: clinical testing. Allele origin: germline.
Comment: This sequence change replaces tyrosine, which is neutral and polar, with cysteine, which is neutral and slightly polar, at codon 34183 of the TTN protein (p.Tyr34183Cys). This variant is not present in population databases (gnomAD no frequency). This variant has not been reported in the literature in individuals affected with TTN-related conditions. Experimental studies and prediction algorithms are not available or were not evaluated, and the functional significance of this variant is currently unknown. This variant is located in the M band of TTN (PMID: 25589632). Non-truncating variants in this region may be relevant for neuromuscular disorders, but have not been definitively shown to cause cardiomyopathy (PMID: 23975875). In summary, the available evidence is currently insufficient to determine the role of this variant in disease. Therefore, it has been classified as a Variant of Uncertain Significance.

Literature cited by the submitters: PubMed 25589632; PubMed 23975875.

NM_001267550.2(TTN):c.102548A>G (p.Tyr34183Cys)

Genes: TTN (titin; minus strand), TTN-AS1 (TTN antisense RNA 1; plus strand). Cytogenetic location: 2q31.2.
Variant type: single nucleotide variant.
Coding change: c.102548A>G on transcript NM_001267550.2 (MANE Select); coding-DNA position 102548, A replaced by G.
Protein change: p.Tyr34183Cys; replaces tyrosine 34183 with cysteine.
Molecular consequence: missense variant.
Genome position (GRCh38, 1-based): chr2:178,534,067, T>C on the plus strand (A>G on the coding strand, the complement: TTN is on the minus strand). VCF-style: chr2-178534067-T-C. GRCh37 (hg19) VCF-style: chr2-179398794-T-C.
Other names: c.97625A>G, p.Tyr32542Cys (NM_001256850.1); c.75353A>G, p.Tyr25118Cys (NM_003319.4); c.94844A>G, p.Tyr31615Cys (NM_133378.4); c.75728A>G, p.Tyr25243Cys (NM_133432.3); c.75929A>G, p.Tyr25310Cys (NM_133437.4); short protein forms Y25118C, Y25243C, Y25310C, Y31615C, Y32542C, Y34183C.
Identifiers: ClinVar variation 3755018 (VCV003755018.2).
Genomic context (GRCh38, chr2:178,534,067, plus strand): 5'-TCTAATTTGGTAATGTCTTTGACATAGAGGATGGCCACTCCATCTTCGTAGGTGATTTCG[T>C]ATTTCTCACTGTTCTCCAGCTGTCGGACGCCAAAGTACCAAGTCACTTGGGTAGACTGAT-3'
Protein context (NP_001254479.2, residues 34173-34193): GVRQLENSEK[Tyr34183Cys]EITYEDGVAI